The following is an entry in ClinVar:

NM_052947.4(ALPK2):c.4960G>C (p.Ala1654Pro)

Gene: ALPK2 (alpha kinase 2; minus strand). Cytogenetic location: 18q21.31.
Variant type: single nucleotide variant.
Coding change: c.4960G>C on transcript NM_052947.4 (MANE Select); coding-DNA position 4960, G replaced by C.
Protein change: p.Ala1654Pro; replaces alanine 1654 with proline.
Molecular consequence: missense variant.
Genome position (GRCh38, 1-based): chr18:58,535,227, C>G on the plus strand (G>C on the coding strand, the complement: ALPK2 is on the minus strand). VCF-style: chr18-58535227-C-G. GRCh37 (hg19) VCF-style: chr18-56202459-C-G.
Other names: short protein forms A1654P.
Identifiers: ClinVar variation 1744414 (VCV001744414.2), dbSNP rs559014227, ClinGen allele CA8976606.

ClinVar aggregate classification (germline): Uncertain significance (1 of 4 stars; one submission).

Allele frequency attached by ClinVar (database versions not stated): gnomAD exomes below 0.00001; ExAC 0.00001; gnomAD 0.00001; TOPMed 0.00002; 1000 Genomes Project 0.00020; 1000 Genomes Project 30x 0.00031.
gnomAD v4.1: 2 of 1,614,072 alleles (0.00012%); highest among the groups gnomAD compares: African/African-American, 0.0027%; no homozygotes.

Submission:

Ambry Genetics
Classification: Uncertain significance. Last evaluated: 2024-01-28. Review status: criteria provided, single submitter. Criteria: Ambry Variant Classification Scheme 2023. Collection method: clinical testing. Allele origin: germline.
Comment: The p.A1654P variant (also known as c.4960G>C), located in coding exon 4 of the ALPK2 gene, results from a G to C substitution at nucleotide position 4960. The alanine at codon 1654 is replaced by proline, an amino acid with highly similar properties. This amino acid position is conserved. In addition, this alteration is predicted to be tolerated by in silico analysis. Since supporting evidence is limited at this time, the clinical significance of this alteration remains unclear.